The following is an entry in ClinVar:

ClinVar aggregate classification (germline): Uncertain significance. Review status: criteria provided, multiple submitters, no conflicts (2 of 4 stars). 2 submissions from 2 submitters: Uncertain significance (2). Last evaluated 2026-02-11.

Conditions:
Cryopyrin associated periodic syndrome (CAPS). Identifiers: Orphanet 208650, MedGen C2316212, MONDO:0016168.

Allele frequency attached by ClinVar (database versions not stated): ExAC 0.00002.
gnomAD v4.1: 26 of 1,614,158 alleles (0.0016%); highest among the groups gnomAD compares: South Asian, 0.0077%; no homozygotes.

Submissions (2):

Women's Health and Genetics/Laboratory Corporation of America, LabCorp
Classification: Uncertain significance. Last evaluated: 2026-02-11. Review status: criteria provided, single submitter. Criteria: LabCorp Variant Classification Summary - May 2015. Collection method: clinical testing. Allele origin: germline.
Comment: Variant summary: NLRP3 c.2023C>T (p.Arg675Trp) results in a non-conservative amino acid change in the encoded protein sequence. Algorithms developed to predict the effect of missense changes on protein structure and function are either unavailable or do not agree on the potential impact of this missense change. The variant allele was found at a frequency of 1.6e-05 in 251476 control chromosomes. The available data on variant occurrences in the general population are insufficient to allow any conclusion about variant significance. To our knowledge, no occurrence of c.2023C>T in individuals affected with NLRP3-related conditions and no experimental evidence demonstrating its impact on protein function have been reported. ClinVar contains an entry for this variant (Variation ID: 2150117). Based on the evidence outlined above, the variant was classified as uncertain significance.

Labcorp Genetics (formerly Invitae), Labcorp
Classification: Uncertain significance for Cryopyrin associated periodic syndrome. Last evaluated: 2023-05-23. Review status: criteria provided, single submitter. Criteria: Invitae Variant Classification Sherloc (09022015). Collection method: clinical testing. Allele origin: germline.
Comment: In summary, the available evidence is currently insufficient to determine the role of this variant in disease. Therefore, it has been classified as a Variant of Uncertain Significance. Advanced modeling of protein sequence and biophysical properties (such as structural, functional, and spatial information, amino acid conservation, physicochemical variation, residue mobility, and thermodynamic stability) has been performed at Invitae for this missense variant, however the output from this modeling did not meet the statistical confidence thresholds required to predict the impact of this variant on NLRP3 protein function. ClinVar contains an entry for this variant (Variation ID: 2150117). This variant has not been reported in the literature in individuals affected with NLRP3-related conditions. This variant is present in population databases (rs762878488, gnomAD 0.01%). This sequence change replaces arginine, which is basic and polar, with tryptophan, which is neutral and slightly polar, at codon 675 of the NLRP3 protein (p.Arg675Trp).

NM_001243133.2(NLRP3):c.2017C>T (p.Arg673Trp)

Gene: NLRP3 (NLR family pyrin domain containing 3; plus strand). Cytogenetic location: 1q44.
Variant type: single nucleotide variant.
Coding change: c.2017C>T on transcript NM_001243133.2 (MANE Select); coding-DNA position 2017, C replaced by T.
Protein change: p.Arg673Trp; replaces arginine 673 with tryptophan.
Molecular consequence: missense variant.
Genome position (GRCh38, 1-based): chr1:247,425,466, C>T. VCF-style: chr1-247425466-C-T. GRCh37 (hg19) VCF-style: chr1-247588768-C-T.
Other names: c.2017C>T, p.Arg673Trp (NM_001079821.3, NM_001127461.3, NM_001127462.3 and 1 more transcripts); c.2023C>T, p.Arg675Trp (NM_004895.5); short protein forms R673W, R675W.
Identifiers: ClinVar variation 2150117 (VCV002150117.5), dbSNP rs762878488, ClinGen allele CA1495098.